The following is an entry in ClinVar:

ClinVar aggregate classification (germline): Uncertain significance. Review status: criteria provided, multiple submitters, no conflicts (2 of 4 stars). 2 submissions from 2 submitters: Uncertain significance (2). Last evaluated 2025-12-16.

Conditions:
Inborn genetic diseases. Identifiers: MedGen C0950123, MeSH D030342.

Submissions (2):

Ambry Genetics
Classification: Uncertain significance for Inborn genetic diseases. Last evaluated: 2025-12-16. Review status: criteria provided, single submitter. Criteria: Ambry Variant Classification Scheme 2023. Collection method: clinical testing. Allele origin: germline.

Mayo Clinic Laboratories, Mayo Clinic
Classification: Uncertain significance. Last evaluated: 2025-12-10. Review status: criteria provided, single submitter. Criteria: ACMG Guidelines, 2015. Collection method: clinical testing. Allele origin: germline. Observed: 1 variant allele.
Comment: BP4_strong, PM2_supporting

NM_053274.3(GLMN):c.502A>G (p.Met168Val)

Gene: GLMN (glomulin, FKBP associated protein; minus strand). Cytogenetic location: 1p22.1.
Variant type: single nucleotide variant.
Coding change: c.502A>G on transcript NM_053274.3 (MANE Select); coding-DNA position 502, A replaced by G.
Protein change: p.Met168Val; replaces methionine 168 with valine.
Molecular consequence: missense variant. On other transcripts: non-coding transcript variant (1).
Genome position (GRCh38, 1-based): chr1:92,289,044, T>C on the plus strand (A>G on the coding strand, the complement: GLMN is on the minus strand). VCF-style: chr1-92289044-T-C. GRCh37 (hg19) VCF-style: chr1-92754601-T-C.
Other names: p.Met168Val; c.502A>G (NM_053274.2); c.502A>G, p.Met168Val (NM_001319683.2); short protein forms M168V.
Identifiers: ClinVar variation 4541303 (VCV004541303.2).